The following is an entry in ClinVar:

NM_152564.5(VPS13B):c.1190C>T (p.Ala397Val)

Gene: VPS13B (vacuolar protein sorting 13 homolog B; plus strand). Cytogenetic location: 8q22.2.
Variant type: single nucleotide variant.
Coding change: c.1190C>T on transcript NM_152564.5 (MANE Select); coding-DNA position 1190, C replaced by T.
Protein change: p.Ala397Val; replaces alanine 397 with valine.
Molecular consequence: missense variant. On other transcripts: non-coding transcript variant (1).
Genome position (GRCh38, 1-based): chr8:99,121,429, C>T. VCF-style: chr8-99121429-C-T. GRCh37 (hg19) VCF-style: chr8-100133657-C-T.
Other names: c.1190C>T, p.Ala397Val (NM_015243.3, NM_017890.5, NM_181661.3); short protein forms A397V.
Identifiers: ClinVar variation 4996742 (VCV004996742.1).
Genomic context (GRCh38, chr8:99,121,429, plus strand): 5'-AACAAAAAGCACAGACTTTGAAGGATCCTATTGTTTCTATAGGATTTTATTGCACAAAGG[C>T]AACGGTGACTTTCAAAGTAGGTCTTTTCTCTTGCTGTTTATATCTCTATCAACTTTAATG-3'
Protein context (NP_689777.3, residues 387-407): IVSIGFYCTK[Ala397Val]TVTFKLTEMQ

ClinVar aggregate classification (germline): Uncertain significance (1 of 4 stars; one submission).

Conditions:
VPS13B-related disorder. Also called: VPS13B-related condition.

Submission:

PreventionGenetics, part of Exact Sciences
Classification: Uncertain significance for VPS13B-related condition. Last evaluated: 2024-11-18. Review status: criteria provided, single submitter. Criteria: ACMG Guidelines, 2015. Collection method: clinical testing. Allele origin: germline.
Comment: The VPS13B c.1190C>T variant is predicted to result in the amino acid substitution p.Ala397Val. To our knowledge, this variant has not been reported in the literature or in a large population database (gnomAD), indicating this variant is rare. At this time, the clinical significance of this variant is uncertain due to the absence of conclusive functional and genetic evidence.